The following is an entry in ClinVar:

ClinVar aggregate classification (germline): Uncertain significance (1 of 4 stars; one submission).

Submission:

Labcorp Genetics (formerly Invitae), Labcorp
Classification: Uncertain significance. Last evaluated: 2022-05-25. Review status: criteria provided, single submitter. Criteria: Invitae Variant Classification Sherloc (09022015). Collection method: clinical testing. Allele origin: germline.
Comment: In summary, the available evidence is currently insufficient to determine the role of this variant in disease. Therefore, it has been classified as a Variant of Uncertain Significance. Algorithms developed to predict the effect of missense changes on protein structure and function are either unavailable or do not agree on the potential impact of this missense change (SIFT: "Deleterious"; PolyPhen-2: "Benign"; Align-GVGD: "Class C0"). This variant has not been reported in the literature in individuals affected with KCNJ11-related conditions. This variant is present in population databases (rs41282930, gnomAD 0.006%). This sequence change replaces serine, which is neutral and polar, with phenylalanine, which is neutral and non-polar, at codon 385 of the KCNJ11 protein (p.Ser385Phe).

NM_000525.4(KCNJ11):c.1154C>T (p.Ser385Phe)

Gene: KCNJ11 (potassium inwardly rectifying channel subfamily J member 11; minus strand). Cytogenetic location: 11p15.1.
Variant type: single nucleotide variant.
Coding change: c.1154C>T on transcript NM_000525.4 (MANE Select); coding-DNA position 1154, C replaced by T.
Protein change: p.Ser385Phe; replaces serine 385 with phenylalanine.
Molecular consequence: missense variant.
Genome position (GRCh38, 1-based): chr11:17,386,938, G>A on the plus strand (C>T on the coding strand, the complement: KCNJ11 is on the minus strand). VCF-style: chr11-17386938-G-A. GRCh37 (hg19) VCF-style: chr11-17408485-G-A.
Other names: c.893C>T, p.Ser298Phe (NM_001166290.2, NM_001377296.1, NM_001377297.1); short protein forms S298F, S385F.
Identifiers: ClinVar variation 1998703 (VCV001998703.4), dbSNP rs41282930, ClinGen allele CA5902170.